The following is an entry in ClinVar:

ClinVar aggregate classification (germline): Conflicting classifications of pathogenicity. Review status: criteria provided, conflicting classifications (1 of 4 stars). 10 submissions from 10 submitters: Uncertain significance (1); Benign (1); Likely benign (7). 1 of the submissions does not count toward it. Last evaluated 2025-11-05.

Conditions:
BRIP1-related disorder. Also called: BRIP1-related condition; BRIP1-related disorders. Identifiers: MedGen CN239206.
Fanconi anemia complementation group J. Also called: BRIP1-Related Fanconi Anemia. Identifiers: Orphanet 84, MedGen C1836860, MONDO:0012187, OMIM 609054.
Familial cancer of breast. Also called: hereditary breast carcinoma; BREAST CANCER, FAMILIAL; Hereditary breast cancer. Identifiers: Orphanet 227535, MedGen C0346153, MONDO:0016419, OMIM 114480. Disease mechanism: loss of function.
Hereditary cancer-predisposing syndrome. Also called: Tumor predisposition; Hereditary Cancer Syndrome; Neoplastic Syndromes, Hereditary; Hereditary neoplastic syndrome. Identifiers: Orphanet 140162, MedGen C0027672, MeSH D009386, MONDO:0015356.

Allele frequency attached by ClinVar (database versions not stated): TOPMed 0.00001.

Submissions (10):

Labcorp Genetics (formerly Invitae), Labcorp
Classification: Likely benign for Familial cancer of breast; Fanconi anemia complementation group J. Last evaluated: 2025-11-05. Review status: criteria provided, single submitter. Criteria: Invitae Variant Classification Sherloc (09022015). Collection method: clinical testing. Allele origin: germline.

CeGaT Center for Human Genetics Tuebingen
Classification: Likely benign. Last evaluated: 2025-11-01. Review status: criteria provided, single submitter. Criteria: CeGaT Center For Human Genetics Tuebingen Variant Classification Criteria Version 2. Collection method: clinical testing. Allele origin: germline. Affected: yes. Observed: 1 variant allele.
Comment: BRIP1: PM2:Supporting, BP4, BP7

Women's Health and Genetics/Laboratory Corporation of America, LabCorp
Classification: Likely benign. Last evaluated: 2024-12-14. Review status: criteria provided, single submitter. Criteria: LabCorp Variant Classification Summary - May 2015. Collection method: clinical testing. Allele origin: germline.

Quest Diagnostics Nichols Institute San Juan Capistrano
Classification: Uncertain significance. Last evaluated: 2024-10-04. Review status: criteria provided, single submitter. Criteria: Quest Diagnostics criteria. Collection method: clinical testing. Allele origin: unknown.
Comment: The BRIP1 c.1368T>C (p.Leu456=) synonymous variant has not been reported in individuals with BRIP1-related conditions in the published literature. It also has not been reported in large, multi-ethnic general populations (Genome Aggregation Database). Analysis of this variant using software algorithms for the prediction of the effect of nucleotide changes on splicing yielded predictions that this variant does not affect BRIP1 mRNA splicing. Based on the available information, we are unable to determine the clinical significance of this variant.

Myriad Genetics, Inc.
Classification: Benign for Familial cancer of breast. Last evaluated: 2024-08-27. Review status: criteria provided, single submitter. Criteria: Myriad Autosomal Dominant, Autosomal Recessive and X-Linked Classification Criteria (2023). Collection method: clinical testing. Allele origin: unknown.
Comment: This variant is considered benign. This variant is a silent/synonymous amino acid change and it is not expected to impact splicing.

Blueprint Genetics
Classification: Likely benign. Last evaluated: 2022-09-12. Review status: criteria provided, single submitter. Criteria: ACMG Guidelines, 2015. Collection method: clinical testing. Allele origin: germline.

Color Diagnostics, LLC DBA Color Health
Classification: Likely benign for Hereditary cancer-predisposing syndrome. Last evaluated: 2017-11-30. Review status: criteria provided, single submitter. Criteria: ACMG Guidelines, 2015. Collection method: clinical testing. Allele origin: germline.

GeneDx
Classification: Likely benign. Last evaluated: 2017-07-19. Review status: criteria provided, single submitter. Criteria: GeneDx Variant Classification (06012015). Collection method: clinical testing. Allele origin: germline. Affected: yes.
Comment: This variant is considered likely benign or benign based on one or more of the following criteria: it is a conservative change, it occurs at a poorly conserved position in the protein, it is predicted to be benign by multiple in silico algorithms, and/or has population frequency not consistent with disease.

Ambry Genetics
Classification: Likely benign for Hereditary cancer-predisposing syndrome. Last evaluated: 2016-01-15. Review status: criteria provided, single submitter. Criteria: Ambry Variant Classification Scheme 2023. Collection method: clinical testing. Allele origin: germline.

PreventionGenetics, part of Exact Sciences
Classification: Likely benign for BRIP1-related condition. Last evaluated: 2019-05-16. Review status: no assertion criteria provided. Collection method: clinical testing. Allele origin: germline. Not counted in ClinVar's aggregate classification.
Comment: This variant is classified as likely benign based on ACMG/AMP sequence variant interpretation guidelines (Richards et al. 2015 PMID: 25741868, with internal and published modifications).

NM_032043.3(BRIP1):c.1368T>C (p.Leu456=)

Gene: BRIP1 (BRCA1 interacting DNA helicase 1; minus strand). Cytogenetic location: 17q23.2.
Variant type: single nucleotide variant.
Coding change: c.1368T>C on transcript NM_032043.3 (MANE Select); coding-DNA position 1368, T replaced by C.
Protein change: p.Leu456=; no amino-acid change (leucine 456 retained).
Molecular consequence: synonymous variant.
Genome position (GRCh38, 1-based): chr17:61,793,702, A>G on the plus strand (T>C on the coding strand, the complement: BRIP1 is on the minus strand). VCF-style: chr17-61793702-A-G. GRCh37 (hg19) VCF-style: chr17-59871063-A-G.
Identifiers: ClinVar variation 241626 (VCV000241626.31), dbSNP rs878855138, ClinGen allele CA10583633.